The following is an entry in ClinVar:

ClinVar aggregate classification (germline): Uncertain significance. Review status: criteria provided, multiple submitters, no conflicts (2 of 4 stars). 3 submissions from 3 submitters: Uncertain significance (3). Last evaluated 2024-09-11.

Conditions:
Inborn genetic diseases. Identifiers: MedGen C0950123, MeSH D030342.
Pseudohypoaldosteronism type 2C (PHA2C). Also called: Pseudohypoaldosteronism Type IIC. Identifiers: Orphanet 757, Orphanet 88940, MedGen C1840391, MONDO:0013778, OMIM 614492.
Neuropathy, hereditary sensory and autonomic, type 2A (HSAN2A). Also called: ACROOSTEOLYSIS, GIACCAI TYPE; ACROOSTEOLYSIS, NEUROGENIC; MORVAN DISEASE; NEUROPATHY, CONGENITAL SENSORY; NEUROPATHY, HEREDITARY SENSORY RADICULAR, AUTOSOMAL RECESSIVE; NEUROPATHY, HEREDITARY SENSORY, TYPE IIA. Identifiers: Orphanet 970, MedGen C2752089, MONDO:0024309, OMIM 201300.

Allele frequency attached by ClinVar (database versions not stated): gnomAD exomes below 0.00001; ExAC 0.00001; gnomAD 0.00002; ESP Exome Variant Server 0.00008.
gnomAD v4.1: 5 of 1,613,338 alleles (0.00031%); highest among the groups gnomAD compares: Non-Finnish European, 0.00042%; no homozygotes.

Submissions (3):

Labcorp Genetics (formerly Invitae), Labcorp
Classification: Uncertain significance for Neuropathy, hereditary sensory and autonomic, type 2A; Pseudohypoaldosteronism type 2C. Last evaluated: 2024-09-11. Review status: criteria provided, single submitter. Criteria: Invitae Variant Classification Sherloc (09022015). Collection method: clinical testing. Allele origin: germline.
Comment: This sequence change replaces serine, which is neutral and polar, with leucine, which is neutral and non-polar, at codon 563 of the WNK1 protein (p.Ser563Leu). This variant is present in population databases (rs368508905, gnomAD 0.002%). This variant has not been reported in the literature in individuals affected with WNK1-related conditions. Invitae Evidence Modeling of protein sequence and biophysical properties (such as structural, functional, and spatial information, amino acid conservation, physicochemical variation, residue mobility, and thermodynamic stability) indicates that this missense variant is not expected to disrupt WNK1 protein function with a negative predictive value of 95%. In summary, the available evidence is currently insufficient to determine the role of this variant in disease. Therefore, it has been classified as a Variant of Uncertain Significance.

Fulgent Genetics
Classification: Uncertain significance for Neuropathy, hereditary sensory and autonomic, type 2A; Pseudohypoaldosteronism type 2C. Last evaluated: 2024-03-21. Review status: criteria provided, single submitter. Criteria: ACMG Guidelines, 2015. Collection method: clinical testing. Allele origin: germline.

Ambry Genetics
Classification: Uncertain significance for Inborn genetic diseases. Last evaluated: 2023-10-31. Review status: criteria provided, single submitter. Criteria: Ambry Variant Classification Scheme 2023. Collection method: clinical testing. Allele origin: germline.

NM_018979.4(WNK1):c.1688C>T (p.Ser563Leu)

Gene: WNK1 (WNK lysine deficient protein kinase 1; plus strand). Cytogenetic location: 12p13.33.
Variant type: single nucleotide variant.
Coding change: c.1688C>T on transcript NM_018979.4 (MANE Select); coding-DNA position 1688, C replaced by T.
Protein change: p.Ser563Leu; replaces serine 563 with leucine.
Molecular consequence: missense variant.
Genome position (GRCh38, 1-based): chr12:861,080, C>T. VCF-style: chr12-861080-C-T. GRCh37 (hg19) VCF-style: chr12-970246-C-T.
Other names: c.1688C>T, p.Ser563Leu (NM_001184985.2, NM_014823.3, NM_213655.5); short protein forms S563L.
Identifiers: ClinVar variation 3190612 (VCV003190612.4), dbSNP rs368508905, ClinGen allele CA6382009.